The following is an entry in ClinVar:

NM_002299.4(LCT):c.762C>A (p.Cys254Ter)

Gene: LCT (lactase; minus strand). Cytogenetic location: 2q21.3.
Variant type: single nucleotide variant.
Coding change: c.762C>A on transcript NM_002299.4 (MANE Select); coding-DNA position 762, C replaced by A.
Protein change: p.Cys254Ter; replaces cysteine 254 with a stop codon.
Molecular consequence: nonsense.
Genome position (GRCh38, 1-based): chr2:135,829,635, G>T on the plus strand (C>A on the coding strand, the complement: LCT is on the minus strand). VCF-style: chr2-135829635-G-T. GRCh37 (hg19) VCF-style: chr2-136587205-G-T.
Other names: short protein forms C254*.
Identifiers: ClinVar variation 4780927 (VCV004780927.1).

ClinVar aggregate classification (germline): Pathogenic (1 of 4 stars; one submission).

gnomAD v4.1: 3 of 1,613,858 alleles (0.00019%); highest among the groups gnomAD compares: African/African-American, 0.0013%; no homozygotes.

Submission:

Labcorp Genetics (formerly Invitae), Labcorp
Classification: Pathogenic. Last evaluated: 2025-09-19. Review status: criteria provided, single submitter. Criteria: Invitae Variant Classification Sherloc (09022015). Collection method: clinical testing. Allele origin: germline.
Comment: This sequence change creates a premature translational stop signal (p.Cys254*) in the LCT gene. It is expected to result in an absent or disrupted protein product. Loss-of-function variants in LCT are known to be pathogenic (PMID: 16400612, 25881162). This variant is not present in population databases (gnomAD no frequency). This variant has not been reported in the literature in individuals affected with LCT-related conditions. Algorithms developed to predict the effect of sequence changes on RNA splicing suggest that this variant may disrupt the consensus splice site. For these reasons, this variant has been classified as Pathogenic.

Literature cited by the submitters: PubMed 16400612; PubMed 25881162.